The following is an entry in ClinVar:

ClinVar aggregate classification (germline): Uncertain significance (1 of 4 stars; one submission).

gnomAD v4.1: 25 of 1,613,846 alleles (0.0015%); highest among the groups gnomAD compares: African/African-American, 0.0027%; no homozygotes.

Submission:

Labcorp Genetics (formerly Invitae), Labcorp
Classification: Uncertain significance. Last evaluated: 2025-01-31. Review status: criteria provided, single submitter. Criteria: Invitae Variant Classification Sherloc (09022015). Collection method: clinical testing. Allele origin: germline.
Comment: This sequence change replaces serine, which is neutral and polar, with leucine, which is neutral and non-polar, at codon 187 of the ACVR1 protein (p.Ser187Leu). This variant is present in population databases (rs146610930, gnomAD 0.004%). This variant has not been reported in the literature in individuals affected with ACVR1-related conditions. An algorithm developed to predict the effect of missense changes on protein structure and function (PolyPhen-2) suggests that this variant is likely to be disruptive. In summary, the available evidence is currently insufficient to determine the role of this variant in disease. Therefore, it has been classified as a Variant of Uncertain Significance.

NM_001111067.4(ACVR1):c.560C>T (p.Ser187Leu)

Gene: ACVR1 (activin A receptor type 1; minus strand). Cytogenetic location: 2q24.1.
Variant type: single nucleotide variant.
Coding change: c.560C>T on transcript NM_001111067.4 (MANE Select); coding-DNA position 560, C replaced by T.
Protein change: p.Ser187Leu; replaces serine 187 with leucine.
Molecular consequence: missense variant.
Genome position (GRCh38, 1-based): chr2:157,774,171, G>A on the plus strand (C>T on the coding strand, the complement: ACVR1 is on the minus strand). VCF-style: chr2-157774171-G-A. GRCh37 (hg19) VCF-style: chr2-158630683-G-A.
Other names: c.560C>T, p.Ser187Leu (NM_001347666.1, NM_001347667.2, NM_001347663.1 and 3 more transcripts); short protein forms S187L.
Identifiers: ClinVar variation 3665970 (VCV003665970.2).
Genomic context (GRCh38, chr2:157,774,171, plus strand): 5'-TGGCGAGCCACTGTTCTTTGTACCAGAAAAGGAAGACCAGAGCCACTTCCTGATGTACAC[G>A]AATGATCCAATAAATCCTGTGGTTTAAGACAAGGGGGAAAAGAAACGATTGAGCAATATA-3'
Protein context (NP_001104537.1, residues 177-197): DSTLADLLDH[Ser187Leu]CTSGSGSGLP